The following is an entry in ClinVar:

ClinVar aggregate classification (germline): Uncertain significance (1 of 4 stars; one submission).

Conditions:
Early-infantile DEE. Also called: Ohtahara syndrome; Early infantile epileptic encephalopathy with suppression bursts; Early infantile epileptic encephalopathy. Identifiers: Orphanet 1934, MedGen C0393706, MONDO:0800491.

Submission:

Labcorp Genetics (formerly Invitae), Labcorp
Classification: Uncertain significance for Early-infantile DEE. Last evaluated: 2026-01-26. Review status: criteria provided, single submitter. Criteria: Invitae Variant Classification Sherloc (09022015). Collection method: clinical testing. Allele origin: germline.
Comment: This sequence change replaces proline, which is neutral and non-polar, with arginine, which is basic and polar, at codon 870 of the KCNQ2 protein (p.Pro870Arg). This variant is not present in population databases (gnomAD no frequency). This variant has not been reported in the literature in individuals affected with KCNQ2-related conditions. Invitae Evidence Modeling of protein sequence and biophysical properties (such as structural, functional, and spatial information, amino acid conservation, physicochemical variation, residue mobility, and thermodynamic stability) indicates that this missense variant is not expected to disrupt KCNQ2 protein function with a negative predictive value of 95%. In summary, the available evidence is currently insufficient to determine the role of this variant in disease. Therefore, it has been classified as a Variant of Uncertain Significance.

NM_172107.4(KCNQ2):c.2609C>G (p.Pro870Arg)

Gene: KCNQ2 (potassium voltage-gated channel subfamily Q member 2; minus strand). Cytogenetic location: 20q13.33.
Variant type: single nucleotide variant.
Coding change: c.2609C>G on transcript NM_172107.4 (MANE Select); coding-DNA position 2609, C replaced by G.
Protein change: p.Pro870Arg; replaces proline 870 with arginine.
Molecular consequence: missense variant.
Genome position (GRCh38, 1-based): chr20:63,406,654, G>C on the plus strand (C>G on the coding strand, the complement: KCNQ2 is on the minus strand). VCF-style: chr20-63406654-G-C. GRCh37 (hg19) VCF-style: chr20-62038007-G-C.
Other names: c.2663C>G, p.Pro888Arg (NM_001382235.1); c.2552C>G, p.Pro851Arg (NM_001439003.1); c.2522C>G, p.Pro841Arg (NM_001439004.1); c.2525C>G, p.Pro842Arg (NM_004518.6); c.2555C>G, p.Pro852Arg (NM_172106.3); c.2516C>G, p.Pro839Arg (NM_172108.5); short protein forms P839R, P870R, P841R, P852R, P851R, P842R, P888R.
Identifiers: ClinVar variation 4747405 (VCV004747405.1).